The following is an entry in ClinVar:

NM_001761.3(CCNF):c.1438T>A (p.Phe480Ile)

Gene: CCNF (cyclin F; plus strand). Cytogenetic location: 16p13.3.
Variant type: single nucleotide variant.
Coding change: c.1438T>A on transcript NM_001761.3 (MANE Select); coding-DNA position 1438, T replaced by A.
Protein change: p.Phe480Ile; replaces phenylalanine 480 with isoleucine.
Molecular consequence: missense variant.
Genome position (GRCh38, 1-based): chr16:2,449,866, T>A. VCF-style: chr16-2449866-T-A. GRCh37 (hg19) VCF-style: chr16-2499867-T-A.
Other names: c.514T>A, p.Phe172Ile (NM_001323538.2); short protein forms F172I, F480I.
Identifiers: ClinVar variation 1703946 (VCV001703946.2), dbSNP rs2505769196, ClinGen allele CA394356099.

ClinVar aggregate classification (germline): Uncertain significance (1 of 4 stars; one submission).

Allele frequency attached by ClinVar (database versions not stated): gnomAD exomes below 0.00001.
gnomAD v4.1: 2 of 1,515,916 alleles (0.00013%); highest among the groups gnomAD compares: Non-Finnish European, 0.00018%; no homozygotes.

Submission:

GeneDx
Classification: Uncertain significance. Last evaluated: 2022-03-04. Review status: criteria provided, single submitter. Criteria: GeneDx Variant Classification Process June 2021. Collection method: clinical testing. Allele origin: germline. Affected: yes.
Comment: Not observed at significant frequency in large population cohorts (gnomAD); In silico analysis supports that this missense variant has a deleterious effect on protein structure/function; Has not been previously published as pathogenic or benign to our knowledge